The following is an entry in ClinVar:

NM_005379.4(MYO1A):c.2238C>T (p.Ser746=)

Gene: MYO1A (myosin IA; minus strand). Cytogenetic location: 12q13.3.
Variant type: single nucleotide variant.
Coding change: c.2238C>T on transcript NM_005379.4 (MANE Select); coding-DNA position 2238, C replaced by T.
Protein change: p.Ser746=; no amino-acid change (serine 746 retained).
Molecular consequence: synonymous variant.
Genome position (GRCh38, 1-based): chr12:57,036,808, G>A on the plus strand (C>T on the coding strand, the complement: MYO1A is on the minus strand). VCF-style: chr12-57036808-G-A. GRCh37 (hg19) VCF-style: chr12-57430592-G-A.
Other names: c.2238C>T, p.Ser746= (NM_001256041.2).
Identifiers: ClinVar variation 164585 (VCV000164585.4), dbSNP rs140932379, ClinGen allele CA177296.

ClinVar aggregate classification (germline): Likely benign (1 of 4 stars; one submission).

Allele frequency attached by ClinVar (database versions not stated): TOPMed 0.00007.
gnomAD v4.1: 178 of 1,614,070 alleles (0.011%); highest among the groups gnomAD compares: East Asian, 0.018%; no homozygotes.

Submission:

Laboratory for Molecular Medicine, Mass General Brigham Personalized Medicine
Classification: Likely benign. Last evaluated: 2014-07-29. Review status: criteria provided, single submitter. Criteria: LMM Criteria. Collection method: clinical testing. Allele origin: germline. Observed: 1 variant allele.
Comment: Ser746Ser in exon 21 of MYO1A: This variant is not expected to have clinical sig nificance because it does not alter an amino acid residue and is not located wit hin the splice consensus sequence.